The following is an entry in ClinVar:

NM_002087.4(GRN):c.206C>A (p.Ala69Asp)

Gene: GRN (granulin precursor; plus strand). Cytogenetic location: 17q21.31.
Variant type: single nucleotide variant.
Coding change: c.206C>A on transcript NM_002087.4 (MANE Select); coding-DNA position 206, C replaced by A.
Protein change: p.Ala69Asp; replaces alanine 69 with aspartic acid.
Molecular consequence: missense variant.
Genome position (GRCh38, 1-based): chr17:44,349,493, C>A. VCF-style: chr17-44349493-C-A. GRCh37 (hg19) VCF-style: chr17-42426861-C-A.
Other names: short protein forms A69D.
Identifiers: ClinVar variation 2088714 (VCV002088714.4), dbSNP rs2510054517, ClinGen allele CA399759821.
Genomic context (GRCh38, chr17:44,349,493, plus strand): 5'-GGCCCACAACACTGAGCAGGCATCTGGGTGGCCCCTGCCAGGTTGATGCCCACTGCTCTG[C>A]CGGCCACTCCTGCATCTTTACCGTCTCAGGGACTTCCAGTTGCTGCCCCTTCCCAGAGGT-3'
Protein context (NP_002078.1, residues 59-79): GPCQVDAHCS[Ala69Asp]GHSCIFTVSG

ClinVar aggregate classification (germline): Uncertain significance (1 of 4 stars; one submission).

Conditions:
Neuronal ceroid lipofuscinosis 11. Also called: GRN-Related Neuronal Ceroid-Lipofuscinosis. Identifiers: Orphanet 314629, Orphanet 79262, MedGen C3539123, MONDO:0013866, OMIM 614706.
GRN-related frontotemporal lobar degeneration with Tdp43 inclusions (FTD2). Also called: DEMENTIA, HEREDITARY DYSPHASIC DISINHIBITION; FRONTOTEMPORAL LOBAR DEGENERATION WITH UBIQUITIN-POSITIVE INCLUSIONS; FTLD-TDP, GRN-RELATED; GRN Frontotemporal Dementia; FRONTOTEMPORAL DEMENTIA WITH TDP43 INCLUSIONS, GRN-RELATED. Identifiers: Orphanet 100070, Orphanet 282, MedGen C1843792, MONDO:0011842, OMIM 607485. Disease mechanism: loss of function.

Submission:

Labcorp Genetics (formerly Invitae), Labcorp
Classification: Uncertain significance for Neuronal ceroid lipofuscinosis 11; GRN-related frontotemporal lobar degeneration with Tdp43 inclusions. Last evaluated: 2024-04-15. Review status: criteria provided, single submitter. Criteria: Invitae Variant Classification Sherloc (09022015). Collection method: clinical testing. Allele origin: germline.
Comment: This sequence change replaces alanine, which is neutral and non-polar, with aspartic acid, which is acidic and polar, at codon 69 of the GRN protein (p.Ala69Asp). This variant is not present in population databases (gnomAD no frequency). This variant has not been reported in the literature in individuals affected with GRN-related conditions. ClinVar contains an entry for this variant (Variation ID: 2088714). An algorithm developed to predict the effect of missense changes on protein structure and function (PolyPhen-2) suggests that this variant is likely to be tolerated. In summary, the available evidence is currently insufficient to determine the role of this variant in disease. Therefore, it has been classified as a Variant of Uncertain Significance.